The following is an entry in ClinVar:

NM_005631.5(SMO):c.583G>A (p.Val195Met)

Gene: SMO (smoothened, frizzled class receptor; plus strand). Cytogenetic location: 7q32.1.
Variant type: single nucleotide variant.
Coding change: c.583G>A on transcript NM_005631.5 (MANE Select); coding-DNA position 583, G replaced by A.
Protein change: p.Val195Met; replaces valine 195 with methionine.
Molecular consequence: missense variant.
Genome position (GRCh38, 1-based): chr7:129,205,248, G>A. VCF-style: chr7-129205248-G-A. GRCh37 (hg19) VCF-style: chr7-128845089-G-A.
Other names: short protein forms V195M.
Identifiers: ClinVar variation 1190378 (VCV001190378.5), dbSNP rs138284001, ClinGen allele CA4479143.

ClinVar aggregate classification (germline): Uncertain significance. Review status: criteria provided, multiple submitters, no conflicts (2 of 4 stars). 2 submissions from 2 submitters: Uncertain significance (2). Last evaluated 2022-09-27.

Conditions:
Inborn genetic diseases. Identifiers: MedGen C0950123, MeSH D030342.

Allele frequency attached by ClinVar (database versions not stated): gnomAD exomes 0.00002 and 0.00004; ExAC 0.00007; ESP Exome Variant Server 0.00015; gnomAD 0.00023 and 0.00026; TOPMed 0.00027.
gnomAD v4.1: 65 of 1,614,236 alleles (0.004%); highest among the groups gnomAD compares: African/African-American, 0.079%; no homozygotes.

Submissions (2):

Ambry Genetics
Classification: Uncertain significance for Inborn genetic diseases. Last evaluated: 2022-09-27. Review status: criteria provided, single submitter. Criteria: Ambry Variant Classification Scheme 2023. Collection method: clinical testing. Allele origin: germline.

GeneDx
Classification: Uncertain significance. Last evaluated: 2020-10-19. Review status: criteria provided, single submitter. Criteria: GeneDx Variant Classification Process June 2021. Collection method: clinical testing. Allele origin: germline. Affected: yes.
Comment: Has not been previously published as pathogenic or benign to our knowledge; In silico analysis, which includes protein predictors and evolutionary conservation, supports that this variant does not alter protein structure/function